The following is an entry in ClinVar:

NM_000138.5(FBN1):c.8029_8030insACAGTAACCACCTG (p.Gly2677fs)

Gene: FBN1 (fibrillin 1; minus strand). Cytogenetic location: 15q21.1.
Variant type: Insertion.
Coding change: c.8029_8030insACAGTAACCACCTG on transcript NM_000138.5 (MANE Select); coding-DNA positions 8029 to 8030, ACAGTAACCACCTG inserted.
Protein change: p.Gly2677fs; shifts the reading frame from glycine 2677.
Molecular consequence: frameshift variant.
Genome position: GRCh38 VCF-style: chr15-48415557-C-CCAGGTGGTTACTGT. GRCh37 (hg19) VCF-style: chr15-48707754-C-CCAGGTGGTTACTGT.
Other names: c.8022_8023insCCACCTGACAGTAA, p.Gly2677Aspfs (NM_001406716.1); short protein forms G2677fs.
Identifiers: ClinVar variation 2093748 (VCV002093748.4), dbSNP rs2505382548, ClinGen allele CA2580089625.

ClinVar aggregate classification (germline): Pathogenic (1 of 4 stars; one submission).

Conditions:
Familial thoracic aortic aneurysm and aortic dissection (TAAD). Also called: Thoracic aortic aneurysms and dissections. Identifiers: Orphanet 91387, MedGen C4707243, MONDO:0019625.
Marfan syndrome (MFS). Also called: MARFAN SYNDROME, TYPE I; Marfan syndrome type 1; Marfan's syndrome; Marfan syndrome, classic; FBN1-Related Marfan Syndrome. Identifiers: Orphanet 284963, Orphanet 558, MedGen C0024796, MONDO:0007947, OMIM 154700.

Submission:

Labcorp Genetics (formerly Invitae), Labcorp
Classification: Pathogenic for Marfan syndrome; Familial thoracic aortic aneurysm and aortic dissection. Last evaluated: 2022-02-07. Review status: criteria provided, single submitter. Criteria: Invitae Variant Classification Sherloc (09022015). Collection method: clinical testing. Allele origin: germline.
Comment: This sequence change creates a premature translational stop signal (p.Gly2677Aspfs*10) in the FBN1 gene. It is expected to result in an absent or disrupted protein product. Loss-of-function variants in FBN1 are known to be pathogenic (PMID: 17657824, 19293843). This variant has not been reported in the literature in individuals affected with FBN1-related conditions. This variant is not present in population databases (gnomAD no frequency). For these reasons, this variant has been classified as Pathogenic. Algorithms developed to predict the effect of sequence changes on RNA splicing suggest that this variant may create or strengthen a splice site.

Literature cited by the submitters: PubMed 17657824; PubMed 19293843.